The following is an entry in ClinVar:

NM_012072.4(CD93):c.1486C>T (p.Arg496Cys)

Gene: CD93 (CD93 molecule; minus strand). Cytogenetic location: 20p11.21.
Variant type: single nucleotide variant.
Coding change: c.1486C>T on transcript NM_012072.4 (MANE Select); coding-DNA position 1486, C replaced by T.
Protein change: p.Arg496Cys; replaces arginine 496 with cysteine.
Molecular consequence: missense variant.
Genome position (GRCh38, 1-based): chr20:23,084,707, G>A on the plus strand (C>T on the coding strand, the complement: CD93 is on the minus strand). VCF-style: chr20-23084707-G-A. GRCh37 (hg19) VCF-style: chr20-23065344-G-A.
Other names: short protein forms R496C.
Identifiers: ClinVar variation 3350644 (VCV003350644.1).

ClinVar aggregate classification (germline): Likely benign (0 of 4 stars; one submission).

Conditions:
CD93-related disorder. Also called: CD93-related condition.

Submission:

PreventionGenetics, part of Exact Sciences
Classification: Likely benign for CD93-related condition. Last evaluated: 2024-04-11. Review status: no assertion criteria provided. Collection method: clinical testing. Allele origin: germline.
Comment: This variant is classified as likely benign based on ACMG/AMP sequence variant interpretation guidelines (Richards et al. 2015 PMID: 25741868, with internal and published modifications).